The following is an entry in ClinVar:

NM_000234.3(LIG1):c.126G>A (p.Trp42Ter)

Gene: LIG1 (DNA ligase 1; minus strand). Cytogenetic location: 19q13.33.
Variant type: single nucleotide variant.
Coding change: c.126G>A on transcript NM_000234.3 (MANE Select); coding-DNA position 126, G replaced by A.
Protein change: p.Trp42Ter; replaces tryptophan 42 with a stop codon.
Molecular consequence: nonsense. On other transcripts: non-coding transcript variant (6).
Genome position (GRCh38, 1-based): chr19:48,161,489, C>T on the plus strand (G>A on the coding strand, the complement: LIG1 is on the minus strand). VCF-style: chr19-48161489-C-T. GRCh37 (hg19) VCF-style: chr19-48664746-C-T.
Other names: c.36G>A, p.Trp12Ter (NM_001289063.2, NM_001320971.2); c.126G>A, p.Trp42Ter (NM_001289064.2, NM_001320970.2); short protein forms W42*, W12*.
Identifiers: ClinVar variation 3654185 (VCV003654185.2).
Genomic context (GRCh38, chr19:48,161,489, plus strand): 5'-CCGGGCCGCCTTCCTCCCTGGCCTCTTCACCGGAGAGTCACTCTCGGACACCACTCCATT[C>T]CACTCCTTCAGTGCCGCCCTGGAAGGTGGGGAAATGGGGGTGTAAAGGGGCGACTACAGC-3'

ClinVar aggregate classification (germline): Uncertain significance (1 of 4 stars; one submission).

gnomAD v4.1: 1 of 1,614,176 alleles (0.000062%); no homozygotes.

Submission:

Labcorp Genetics (formerly Invitae), Labcorp
Classification: Uncertain significance. Last evaluated: 2024-08-15. Review status: criteria provided, single submitter. Criteria: Invitae Variant Classification Sherloc (09022015). Collection method: clinical testing. Allele origin: germline.
Comment: This sequence change creates a premature translational stop signal (p.Trp42*) in the LIG1 gene. It is expected to result in an absent or disrupted protein product. However, the current clinical and genetic evidence is not sufficient to establish whether loss-of-function variants in LIG1 cause disease. This variant is not present in population databases (gnomAD no frequency). This variant has not been reported in the literature in individuals affected with LIG1-related conditions. In summary, the available evidence is currently insufficient to determine the role of this variant in disease. Therefore, it has been classified as a Variant of Uncertain Significance.